The following is an entry in ClinVar:

ClinVar aggregate classification (germline): Uncertain significance. Review status: criteria provided, multiple submitters, no conflicts (2 of 4 stars). 2 submissions from 2 submitters: Uncertain significance (2). Last evaluated 2024-07-21.

Conditions:
Epilepsy, familial focal, with variable foci 3 (FFEVF3). Identifiers: MedGen C4310708, MONDO:0014925, OMIM 617118.

Allele frequency attached by ClinVar (database versions not stated): gnomAD 0.00001; gnomAD exomes 0.00001 and 0.00003; TOPMed 0.00002; ExAC 0.00005.
gnomAD v4.1: 13 of 1,610,516 alleles (0.00081%); highest among the groups gnomAD compares: East Asian, 0.013%; no homozygotes.

Submissions (2):

GeneDx
Classification: Uncertain significance. Last evaluated: 2024-07-21. Review status: criteria provided, single submitter. Criteria: GeneDx Variant Classification Process June 2021. Collection method: clinical testing. Allele origin: germline. Affected: yes.
Comment: In silico analysis supports that this missense variant has a deleterious effect on protein structure/function; Has not been previously published as pathogenic or benign to our knowledge

Labcorp Genetics (formerly Invitae), Labcorp
Classification: Uncertain significance for Epilepsy, familial focal, with variable foci 3. Last evaluated: 2019-05-04. Review status: criteria provided, single submitter. Criteria: Invitae Variant Classification Sherloc (09022015). Collection method: clinical testing. Allele origin: germline.
Comment: In summary, the available evidence is currently insufficient to determine the role of this variant in disease. Therefore, it has been classified as a Variant of Uncertain Significance. Algorithms developed to predict the effect of missense changes on protein structure and function are either unavailable or do not agree on the potential impact of this missense change (SIFT: "Deleterious"; PolyPhen-2: "Not available"; Align-GVGD: "Class C0"). This variant has not been reported in the literature in individuals with NPRL3-related conditions. This variant is present in population databases (rs769300436, ExAC 0.03%). This sequence change replaces arginine with cysteine at codon 159 of the NPRL3 protein (p.Arg159Cys). The arginine residue is highly conserved and there is a large physicochemical difference between arginine and cysteine.

NM_001077350.3(NPRL3):c.475C>T (p.Arg159Cys)

Genes: HBA-LCR (alpha-globin locus control region; plus strand), NPRL3 (NPR3 like, GATOR1 complex subunit; minus strand). Cytogenetic location: 16p13.3.
Variant type: single nucleotide variant.
Coding change: c.475C>T on transcript NM_001077350.3 (MANE Select); coding-DNA position 475, C replaced by T.
Protein change: p.Arg159Cys; replaces arginine 159 with cysteine.
Molecular consequence: missense variant. On other transcripts: 5 prime UTR variant (1).
Genome position (GRCh38, 1-based): chr16:112,694, G>A on the plus strand (C>T on the coding strand, the complement: NPRL3 is on the minus strand). VCF-style: chr16-112694-G-A. GRCh37 (hg19) VCF-style: chr16-162693-G-A.
Other names: c.-63C>T (NM_001039476.3); c.241C>T, p.Arg81Cys (NM_001243247.2); c.400C>T, p.Arg134Cys (NM_001243248.2, NM_001243249.2); short protein forms R134C, R81C, R159C.
Identifiers: ClinVar variation 860282 (VCV000860282.9), dbSNP rs769300436, ClinGen allele CA7769652.